The following is an entry in ClinVar:

NM_024642.5(GALNT12):c.303C>G (p.His101Gln)

Gene: GALNT12 (polypeptide N-acetylgalactosaminyltransferase 12; plus strand). Cytogenetic location: 9q22.33.
Variant type: single nucleotide variant.
Coding change: c.303C>G on transcript NM_024642.5 (MANE Select); coding-DNA position 303, C replaced by G.
Protein change: p.His101Gln; replaces histidine 101 with glutamine.
Molecular consequence: missense variant.
Genome position (GRCh38, 1-based): chr9:98,808,001, C>G. VCF-style: chr9-98808001-C-G. GRCh37 (hg19) VCF-style: chr9-101570283-C-G.
Other names: short protein forms H101Q.
Identifiers: ClinVar variation 410580 (VCV000410580.16), dbSNP rs201926457, ClinGen allele CA5153905.

ClinVar aggregate classification (germline): Conflicting classifications of pathogenicity. Review status: criteria provided, conflicting classifications (1 of 4 stars). 4 submissions from 4 submitters: Uncertain significance (2); Benign (1); Likely benign (1). Last evaluated 2025-07-06.

Conditions:
GALNT12-related disorder. Also called: GALNT12-related condition.

Allele frequency attached by ClinVar (database versions not stated): gnomAD exomes 0.00015 and 0.00024; gnomAD 0.00019 and 0.00021; TOPMed 0.00022; ESP Exome Variant Server 0.00032; ExAC 0.00055.
gnomAD v4.1: 353 of 1,548,566 alleles (0.023%); highest among the groups gnomAD compares: Non-Finnish European, 0.03%; no homozygotes.

Submissions (4):

Labcorp Genetics (formerly Invitae), Labcorp
Classification: Uncertain significance. Last evaluated: 2025-07-06. Review status: criteria provided, single submitter. Criteria: Invitae Variant Classification Sherloc (09022015). Collection method: clinical testing. Allele origin: germline.
Comment: This sequence change replaces histidine, which is basic and polar, with glutamine, which is neutral and polar, at codon 101 of the GALNT12 protein (p.His101Gln). This variant is present in population databases (rs201926457, gnomAD 0.04%), and has an allele count higher than expected for a pathogenic variant. This missense change has been observed in individual(s) with colorectal cancer (PMID: 29749045, 33193653). ClinVar contains an entry for this variant (Variation ID: 410580). Invitae Evidence Modeling of protein sequence and biophysical properties (such as structural, functional, and spatial information, amino acid conservation, physicochemical variation, residue mobility, and thermodynamic stability) indicates that this missense variant is not expected to disrupt GALNT12 protein function with a negative predictive value of 80%. Experimental studies have shown that this missense change affects GALNT12 function (PMID: 29749045). In summary, the available evidence is currently insufficient to determine the role of this variant in disease. Therefore, it has been classified as a Variant of Uncertain Significance.

PreventionGenetics, part of Exact Sciences
Classification: Uncertain significance for GALNT12-related condition. Last evaluated: 2023-03-10. Review status: criteria provided, single submitter. Criteria: ACMG Guidelines, 2015. Collection method: clinical testing. Allele origin: germline.
Comment: The GALNT12 c.303C>G variant is predicted to result in the amino acid substitution p.His101Gln. This variant was reported in two colorectal cancer cohort studies (Evans et al. 2018. PubMed ID: 29749045; Djursby et al. 2020. PubMed ID: 33193653). The p.His101Gln change was reported to result in reduced enzyme activity in an in vitro assay (Evans et al. 2018. PubMed ID: 29749045). This variant is reported in 0.035% of alleles in individuals of European (Non-Finnish) descent in gnomAD. At this time, the clinical significance of this variant is uncertain due to the absence of conclusive functional and genetic evidence.

Quest Diagnostics Nichols Institute San Juan Capistrano
Classification: Benign. Last evaluated: 2022-11-23. Review status: criteria provided, single submitter. Criteria: Quest Diagnostics criteria. Collection method: clinical testing. Allele origin: unknown.

Ambry Genetics
Classification: Likely benign. Last evaluated: 2020-06-24. Review status: criteria provided, single submitter. Criteria: Ambry Variant Classification Scheme 2023. Collection method: clinical testing. Allele origin: germline.

Literature cited by the submitters: PubMed 29749045 (cited by 3 submitters); PubMed 33193653 (cited by Labcorp Genetics (formerly Invitae), Labcorp).